The following is an entry in ClinVar:

NM_001042492.3(NF1):c.6832T>G (p.Cys2278Gly)

Gene: NF1 (neurofibromin 1; plus strand). Cytogenetic location: 17q11.2.
Variant type: single nucleotide variant.
Coding change: c.6832T>G on transcript NM_001042492.3 (MANE Select); coding-DNA position 6832, T replaced by G.
Protein change: p.Cys2278Gly; replaces cysteine 2278 with glycine.
Molecular consequence: missense variant.
Genome position (GRCh38, 1-based): chr17:31,338,716, T>G. VCF-style: chr17-31338716-T-G. GRCh37 (hg19) VCF-style: chr17-29665734-T-G.
Other names: c.6769T>G, p.Cys2257Gly (NM_000267.4); short protein forms C2278G, C2257G.
Identifiers: ClinVar variation 2091669 (VCV002091669.4), dbSNP rs2069742802, ClinGen allele CA399014267.

ClinVar aggregate classification (germline): Uncertain significance (1 of 4 stars; one submission).

Conditions:
Neurofibromatosis, type 1 (NF1). Also called: NEUROFIBROMATOSIS, TYPE I, SOMATIC; Neurofibromatosis, type I; Peripheral type neurofibromatosis; VON RECKLINGHAUSEN DISEASE. Identifiers: Orphanet 636, MedGen C0027831, MONDO:0018975, OMIM 162200. Disease mechanism: loss of function.

Submission:

Labcorp Genetics (formerly Invitae), Labcorp
Classification: Uncertain significance for Neurofibromatosis, type 1. Last evaluated: 2022-06-01. Review status: criteria provided, single submitter. Criteria: Invitae Variant Classification Sherloc (09022015). Collection method: clinical testing. Allele origin: germline.
Comment: This variant is not present in population databases (gnomAD no frequency). This sequence change replaces cysteine, which is neutral and slightly polar, with glycine, which is neutral and non-polar, at codon 2257 of the NF1 protein (p.Cys2257Gly). This variant has not been reported in the literature in individuals affected with NF1-related conditions. Advanced modeling of protein sequence and biophysical properties (such as structural, functional, and spatial information, amino acid conservation, physicochemical variation, residue mobility, and thermodynamic stability) performed at Invitae indicates that this missense variant is expected to disrupt NF1 protein function. In summary, the available evidence is currently insufficient to determine the role of this variant in disease. Therefore, it has been classified as a Variant of Uncertain Significance.